The following is an entry in ClinVar:

NM_001453.3(FOXC1):c.818C>T (p.Pro273Leu)

Gene: FOXC1 (forkhead box C1; plus strand). Cytogenetic location: 6p25.3.
Variant type: single nucleotide variant.
Coding change: c.818C>T on transcript NM_001453.3 (MANE Select); coding-DNA position 818, C replaced by T.
Protein change: p.Pro273Leu; replaces proline 273 with leucine.
Molecular consequence: missense variant.
Genome position (GRCh38, 1-based): chr6:1,611,263, C>T. VCF-style: chr6-1611263-C-T. GRCh37 (hg19) VCF-style: chr6-1611498-C-T.
Other names: short protein forms P273L.
Identifiers: ClinVar variation 3003613 (VCV003003613.4), dbSNP rs1762538877, ClinGen allele CA362559643.

ClinVar aggregate classification (germline): Conflicting classifications of pathogenicity. Review status: criteria provided, conflicting classifications (1 of 4 stars). 2 submissions from 2 submitters: Uncertain significance (1); Likely benign (1). Last evaluated 2026-04-18.

Conditions:
Axenfeld-Rieger syndrome type 3 (RIEG3). Also called: AXENFELD-RIEGER ANOMALY WITH CARDIAC DEFECTS AND/OR SENSORINEURAL HEARING LOSS. Identifiers: Orphanet 782, MedGen C2678503, MONDO:0011233, OMIM 602482.
Anterior segment dysgenesis 3 (ASGD3). Also called: IRIDOGONIODYSGENESIS ANOMALY, AUTOSOMAL DOMINANT; Glaucoma iridogoniodysplasia, familial. Identifiers: Orphanet 91483, MedGen C5975707, MONDO:0024456, OMIM 601631.

Submissions (2):

Centre for Medical Genetics,  Mumbai
Classification: Likely benign for Anterior segment dysgenesis 3. Last evaluated: 2026-04-18. Review status: criteria provided, single submitter. Criteria: ACMG Guidelines, 2015. Collection method: provider interpretation. Allele origin: germline. Inheritance: Autosomal dominant inheritance. Affected: no. Observed: 1 variant allele, 1 heterozygote.
Comment: The variant satisfies PM2 criteria - extremely low frequency in gnomAD population databases. The variant satisfies PP2 criteria - missense variant in a gene with low rate of benign missense mutations and for which missense mutation is a common mechanism of a disease. However, the variant satisfies BS2 criteria - present in heterozygous state in an individual that clinically does not have anterior segment dysgenesis.

Labcorp Genetics (formerly Invitae), Labcorp
Classification: Uncertain significance for Axenfeld-Rieger syndrome type 3. Last evaluated: 2023-05-02. Review status: criteria provided, single submitter. Criteria: Invitae Variant Classification Sherloc (09022015). Collection method: clinical testing. Allele origin: germline.
Comment: In summary, the available evidence is currently insufficient to determine the role of this variant in disease. Therefore, it has been classified as a Variant of Uncertain Significance. An algorithm developed to predict the effect of missense changes on protein structure and function (PolyPhen-2) suggests that this variant is likely to be disruptive. This variant has not been reported in the literature in individuals affected with FOXC1-related conditions. This variant is not present in population databases (gnomAD no frequency). This sequence change replaces proline, which is neutral and non-polar, with leucine, which is neutral and non-polar, at codon 273 of the FOXC1 protein (p.Pro273Leu).

Literature cited by the submitters: PubMed 9620769 (cited by Centre for Medical Genetics,  Mumbai).